The following is an entry in ClinVar:

NM_002691.4(POLD1):c.1687-46C>T

Gene: POLD1 (DNA polymerase delta 1, catalytic subunit; plus strand). Cytogenetic location: 19q13.33.
Variant type: single nucleotide variant.
Coding change: c.1687-46C>T on transcript NM_002691.4 (MANE Select); 46 bases into the intron before coding-DNA position 1687, C replaced by T.
Molecular consequence: intron variant.
Genome position (GRCh38, 1-based): chr19:50,407,281, C>T. VCF-style: chr19-50407281-C-T. GRCh37 (hg19) VCF-style: chr19-50910538-C-T.
Other names: c.1687-46C>T (NM_001256849.1, NM_001308632.1).
Identifiers: ClinVar variation 676548 (VCV000676548.9), dbSNP rs3219401, ClinGen allele CA9596224.

ClinVar aggregate classification (germline): Benign. Review status: criteria provided, multiple submitters, no conflicts (2 of 4 stars). 3 submissions from 3 submitters: Benign (3). Last evaluated 2025-03-04.

Allele frequency attached by ClinVar (database versions not stated): gnomAD exomes 0.00557; ExAC 0.00679; gnomAD 0.02091 and 0.02218; 1000 Genomes Project 0.02436; ESP Exome Variant Server 0.02460; TOPMed 0.02466; 1000 Genomes Project 30x 0.02577.
gnomAD v4.1: 6,270 of 1,564,778 alleles (0.4%); highest among the groups gnomAD compares: African/African-American, 7.1%; 203 homozygotes.

Submissions (3):

Center for Genomic Medicine, Rigshospitalet, Copenhagen University Hospital
Classification: Benign. Last evaluated: 2025-03-04. Review status: criteria provided, single submitter. Criteria: ACMG Guidelines, 2015. Collection method: clinical testing. Allele origin: germline.

GeneDx
Classification: Benign. Last evaluated: 2018-06-18. Review status: criteria provided, single submitter. Criteria: GeneDx Variant Classification (06012015). Collection method: clinical testing. Allele origin: germline. Affected: yes.
Comment: This variant is considered likely benign or benign based on one or more of the following criteria: it is a conservative change, it occurs at a poorly conserved position in the protein, it is predicted to be benign by multiple in silico algorithms, and/or has population frequency not consistent with disease.

Breakthrough Genomics
Classification: Benign. Review status: criteria provided, single submitter. Criteria: ACMG Guidelines, 2015. Collection method: not provided. Allele origin: germline. Inheritance: Autosomal dominant inheritance. Affected: yes.